The following is an entry in ClinVar:

ClinVar aggregate classification (germline): Uncertain significance (1 of 4 stars; one submission).

Conditions:
Early Myoclonic Encephalopathy. Identifiers: MedGen C0270855.

gnomAD v4.1: 1 of 1,611,004 alleles (0.000062%); highest among the groups gnomAD compares: Non-Finnish European, 0.000085%; no homozygotes.

Submission:

Labcorp Genetics (formerly Invitae), Labcorp
Classification: Uncertain significance for Early Myoclonic Encephalopathy. Last evaluated: 2021-04-25. Review status: criteria provided, single submitter. Criteria: Invitae Variant Classification Sherloc (09022015). Collection method: clinical testing. Allele origin: germline.
Comment: Algorithms developed to predict the effect of missense changes on protein structure and function are either unavailable or do not agree on the potential impact of this missense change (SIFT: "Deleterious"; PolyPhen-2: "Possibly Damaging"; Align-GVGD: "Class C0"). This variant has not been reported in the literature in individuals with JMJD1C-related conditions. This variant is not present in population databases (ExAC no frequency). This sequence change replaces alanine with glutamic acid at codon 971 of the JMJD1C protein (p.Ala971Glu). The alanine residue is moderately conserved and there is a moderate physicochemical difference between alanine and glutamic acid. In summary, the available evidence is currently insufficient to determine the role of this variant in disease. Therefore, it has been classified as a Variant of Uncertain Significance.

NM_032776.3(JMJD1C):c.2912C>A (p.Ala971Glu)

Gene: JMJD1C (jumonji domain containing 1C; minus strand). Cytogenetic location: 10q21.3.
Variant type: single nucleotide variant.
Coding change: c.2912C>A on transcript NM_032776.3 (MANE Select); coding-DNA position 2912, C replaced by A.
Protein change: p.Ala971Glu; replaces alanine 971 with glutamic acid.
Molecular consequence: missense variant. On other transcripts: non-coding transcript variant (1).
Genome position (GRCh38, 1-based): chr10:63,208,757, G>T on the plus strand (C>A on the coding strand, the complement: JMJD1C is on the minus strand). VCF-style: chr10-63208757-G-T. GRCh37 (hg19) VCF-style: chr10-64968517-G-T.
Other names: c.2366C>A, p.Ala789Glu (NM_001282948.2, NM_001318154.2); c.2048C>A, p.Ala683Glu (NM_001318153.2); c.2798C>A, p.Ala933Glu (NM_001322252.2); c.2255C>A, p.Ala752Glu (NM_001322254.2, NM_001322258.2); short protein forms A683E, A789E, A933E, A971E, A752E.
Identifiers: ClinVar variation 1513281 (VCV001513281.8), dbSNP rs2133164933, ClinGen allele CA377043261.